The following is an entry in ClinVar:

NM_017514.5(PLXNA3):c.663C>T (p.Ala221=)

Gene: PLXNA3 (plexin A3; plus strand). Cytogenetic location: Xq28.
Variant type: single nucleotide variant.
Coding change: c.663C>T on transcript NM_017514.5 (MANE Select); coding-DNA position 663, C replaced by T.
Protein change: p.Ala221=; no amino-acid change (alanine 221 retained).
Molecular consequence: synonymous variant.
Genome position (GRCh38, 1-based): chrX:154,461,167, C>T. VCF-style: chrX-154461167-C-T. GRCh37 (hg19) VCF-style: chrX-153689507-C-T.
Identifiers: ClinVar variation 3348696 (VCV003348696.1).

ClinVar aggregate classification (germline): Likely benign (0 of 4 stars; one submission).

Conditions:
PLXNA3-related disorder. Also called: PLXNA3-related condition.

gnomAD v4.1: 13 of 1,211,022 alleles (0.0011%); highest among the groups gnomAD compares: Admixed American, 0.013%; no homozygotes.

Submission:

PreventionGenetics, part of Exact Sciences
Classification: Likely benign for PLXNA3-related condition. Last evaluated: 2023-08-24. Review status: no assertion criteria provided. Collection method: clinical testing. Allele origin: germline.
Comment: This variant is classified as likely benign based on ACMG/AMP sequence variant interpretation guidelines (Richards et al. 2015 PMID: 25741868, with internal and published modifications).